The following is an entry in ClinVar:

NM_004960.4(FUS):c.182G>A (p.Ser61Asn)

Gene: FUS (FUS RNA binding protein; plus strand). Cytogenetic location: 16p11.2.
Variant type: single nucleotide variant.
Coding change: c.182G>A on transcript NM_004960.4 (MANE Select); coding-DNA position 182, G replaced by A.
Protein change: p.Ser61Asn; replaces serine 61 with asparagine.
Molecular consequence: missense variant. On other transcripts: non-coding transcript variant (1).
Genome position (GRCh38, 1-based): chr16:31,182,656, G>A. VCF-style: chr16-31182656-G-A. GRCh37 (hg19) VCF-style: chr16-31193977-G-A.
Other names: c.182G>A, p.Ser61Asn (NM_001170634.1, NM_001170937.1); short protein forms S61N.
Identifiers: ClinVar variation 834592 (VCV000834592.10), dbSNP rs777365216, ClinGen allele CA8023460.

ClinVar aggregate classification (germline): Uncertain significance (1 of 4 stars; one submission).

Conditions:
Amyotrophic lateral sclerosis type 6. Also called: FUS-Related Amyotrophic Laterial Sclerosis; Amyotrophic lateral sclerosis 6, with or without frontotemporal dementia; AMYOTROPHIC LATERAL SCLEROSIS 6 WITHOUT FRONTOTEMPORAL DEMENTIA. Identifiers: Orphanet 275872, Orphanet 803, MedGen C2931786, MONDO:0011951, OMIM 608030.
Tremor, hereditary essential, 4 (ETM4). Identifiers: MedGen C3539195, MONDO:0013888, OMIM 614782.

Allele frequency attached by ClinVar (database versions not stated): gnomAD exomes below 0.00001 and 0.00001; ExAC 0.00001; TOPMed 0.00001.
gnomAD v4.1: 3 of 1,614,210 alleles (0.00019%); highest among the groups gnomAD compares: Non-Finnish European, 0.00017%; no homozygotes.

Submission:

Labcorp Genetics (formerly Invitae), Labcorp
Classification: Uncertain significance for Tremor, hereditary essential, 4; Amyotrophic lateral sclerosis type 6. Last evaluated: 2022-08-23. Review status: criteria provided, single submitter. Criteria: Invitae Variant Classification Sherloc (09022015). Collection method: clinical testing. Allele origin: germline.
Comment: This variant has not been reported in the literature in individuals affected with FUS-related conditions. This variant is present in population databases (rs777365216, gnomAD 0.0009%). This sequence change replaces serine, which is neutral and polar, with asparagine, which is neutral and polar, at codon 61 of the FUS protein (p.Ser61Asn). ClinVar contains an entry for this variant (Variation ID: 834592). In summary, the available evidence is currently insufficient to determine the role of this variant in disease. Therefore, it has been classified as a Variant of Uncertain Significance. Algorithms developed to predict the effect of missense changes on protein structure and function are either unavailable or do not agree on the potential impact of this missense change (SIFT: "Tolerated"; PolyPhen-2: "Not Available"; Align-GVGD: "Class C0").